The following is an entry in ClinVar:

ClinVar aggregate classification (germline): Uncertain significance (1 of 4 stars; one submission).

Submission:

GeneDx
Classification: Uncertain significance. Last evaluated: 2026-04-01. Review status: criteria provided, single submitter. Criteria: GeneDx Variant Classification Process June 2021. Collection method: clinical testing. Allele origin: germline.
Comment: Not observed at significant frequency in large population cohorts (gnomAD); In silico analysis supports that this missense variant has a deleterious effect on protein structure/function; Has not been previously published as pathogenic or benign to our knowledge

NM_000061.3(BTK):c.1637T>A (p.Val546Asp)

Gene: BTK (Bruton tyrosine kinase; minus strand). Cytogenetic location: Xq22.1.
Variant type: single nucleotide variant.
Coding change: c.1637T>A on transcript NM_000061.3 (MANE Select); coding-DNA position 1637, T replaced by A.
Protein change: p.Val546Asp; replaces valine 546 with aspartic acid.
Molecular consequence: missense variant.
Genome position (GRCh38, 1-based): chrX:101,353,983, A>T on the plus strand (T>A on the coding strand, the complement: BTK is on the minus strand). VCF-style: chrX-101353983-A-T. GRCh37 (hg19) VCF-style: chrX-100608971-A-T.
Other names: c.1739T>A, p.Val580Asp (NM_001287344.2); c.1109T>A, p.Val370Asp (NM_001287345.2); short protein forms V370D, V546D, V580D.
Identifiers: ClinVar variation 5017082 (VCV005017082.1).